The following is an entry in ClinVar:

NM_001267550.2(TTN):c.47230G>A (p.Val15744Ile)

Genes: TTN (titin; minus strand), TTN-AS1 (TTN antisense RNA 1; plus strand). Cytogenetic location: 2q31.2.
Variant type: single nucleotide variant.
Coding change: c.47230G>A on transcript NM_001267550.2 (MANE Select); coding-DNA position 47230, G replaced by A.
Protein change: p.Val15744Ile; replaces valine 15744 with isoleucine.
Molecular consequence: missense variant.
Genome position (GRCh38, 1-based): chr2:178,618,228, C>T on the plus strand (G>A on the coding strand, the complement: TTN is on the minus strand). VCF-style: chr2-178618228-C-T. GRCh37 (hg19) VCF-style: chr2-179482955-C-T.
Other names: c.42307G>A, p.Val14103Ile (NM_001256850.1); c.20035G>A, p.Val6679Ile (NM_003319.4); c.39526G>A, p.Val13176Ile (NM_133378.4); c.20410G>A, p.Val6804Ile (NM_133432.3); c.20611G>A, p.Val6871Ile (NM_133437.4); short protein forms V6871I, V6679I, V6804I, V13176I, V14103I, V15744I.
Identifiers: ClinVar variation 1784273 (VCV001784273.2), dbSNP rs2470892849, ClinGen allele CA349618884.

ClinVar aggregate classification (germline): Uncertain significance (1 of 4 stars; one submission).

Conditions:
Cardiovascular phenotype. Identifiers: MedGen CN230736.

Submission:

Ambry Genetics
Classification: Uncertain significance for Cardiovascular phenotype. Last evaluated: 2019-09-23. Review status: criteria provided, single submitter. Criteria: Ambry Variant Classification Scheme 2023. Collection method: clinical testing. Allele origin: germline.
Comment: The p.V6679I variant (also known as c.20035G>A), located in coding exon 79 of the TTN gene, results from a G to A substitution at nucleotide position 20035. The valine at codon 6679 is replaced by isoleucine, an amino acid with highly similar properties. This amino acid position is highly conserved in available vertebrate species. In addition, this alteration is predicted to be tolerated by in silico analysis. Since supporting evidence is limited at this time, the clinical significance of this alteration remains unclear.